The following is an entry in ClinVar:

ClinVar aggregate classification (germline): Uncertain significance (1 of 4 stars; one submission).

Submission:

Ambry Genetics
Classification: Uncertain significance. Last evaluated: 2023-02-18. Review status: criteria provided, single submitter. Criteria: Ambry Variant Classification Scheme 2023. Collection method: clinical testing. Allele origin: germline.
Comment: The p.P333L variant (also known as c.998C>T), located in coding exon 8 of the RINT1 gene, results from a C to T substitution at nucleotide position 998. The proline at codon 333 is replaced by leucine, an amino acid with similar properties. This amino acid position is conserved. In addition, the in silico prediction for this alteration is inconclusive. Since supporting evidence is limited at this time, the clinical significance of this alteration remains unclear.

NM_021930.6(RINT1):c.998C>T (p.Pro333Leu)

Gene: RINT1 (RAD50 interactor 1; plus strand). Cytogenetic location: 7q22.3.
Variant type: single nucleotide variant.
Coding change: c.998C>T on transcript NM_021930.6 (MANE Select); coding-DNA position 998, C replaced by T.
Protein change: p.Pro333Leu; replaces proline 333 with leucine.
Molecular consequence: missense variant. On other transcripts: 5 prime UTR variant (1), non-coding transcript variant (1), intron variant (1).
Genome position (GRCh38, 1-based): chr7:105,550,056, C>T. VCF-style: chr7-105550056-C-T. GRCh37 (hg19) VCF-style: chr7-105190503-C-T.
Other names: c.764C>T, p.Pro255Leu (NM_001346599.2); c.74C>T, p.Pro25Leu (NM_001346601.2); c.-26C>T (NM_001346603.2); c.-23-3C>T (NM_001346600.2); short protein forms P255L, P25L, P333L.
Identifiers: ClinVar variation 2448429 (VCV002448429.2), dbSNP rs2485131756, ClinGen allele CA368808172.